The following is an entry in ClinVar:

ClinVar aggregate classification (germline): Benign (0 of 4 stars; one submission).

Conditions:
STYXL1-related disorder. Also called: STYXL1-related condition.

Allele frequency attached by ClinVar (database versions not stated): 1000 Genomes Project 0.05132; 1000 Genomes Project 30x 0.05262; TOPMed 0.10526; gnomAD 0.10584; ExAC 0.10611; ESP Exome Variant Server 0.12110; gnomAD exomes 0.14403.
gnomAD v4.1: 225,854 of 1,612,560 alleles (14%); highest among the groups gnomAD compares: Non-Finnish European, 16%; 18,264 homozygotes.

Submission:

PreventionGenetics, part of Exact Sciences
Classification: Benign for STYXL1-related condition. Last evaluated: 2019-10-30. Review status: no assertion criteria provided. Collection method: clinical testing. Allele origin: germline.
Comment: This variant is classified as benign based on ACMG/AMP sequence variant interpretation guidelines (Richards et al. 2015 PMID: 25741868, with internal and published modifications).

NM_001317785.2(STYXL1):c.489C>T (p.Ile163=)

Gene: STYXL1 (serine/threonine/tyrosine interacting like 1; minus strand). Cytogenetic location: 7q11.23.
Variant type: single nucleotide variant.
Coding change: c.489C>T on transcript NM_001317785.2 (MANE Select); coding-DNA position 489, C replaced by T.
Protein change: p.Ile163=; no amino-acid change (isoleucine 163 retained).
Molecular consequence: synonymous variant. On other transcripts: non-coding transcript variant (2).
Genome position (GRCh38, 1-based): chr7:76,005,369, G>A on the plus strand (C>T on the coding strand, the complement: STYXL1 is on the minus strand). VCF-style: chr7-76005369-G-A. GRCh37 (hg19) VCF-style: chr7-75634687-G-A.
Other names: c.489C>T, p.Ile163= (NM_001317786.2, NM_016086.3); c.201C>T, p.Ile67= (NM_001317787.2, NM_001317788.2); c.75C>T, p.Ile25= (NM_001317789.1).
Identifiers: ClinVar variation 3060119 (VCV003060119.2), dbSNP rs1044484, ClinGen allele CA4305171.